The following is an entry in ClinVar:

ClinVar aggregate classification (germline): Likely pathogenic (1 of 4 stars; one submission).

Conditions:
Basal ganglia calcification, idiopathic, 7, autosomal recessive. Also called: PRIMARY FAMILIAL BRAIN CALCIFICATION 7, AUTOSOMAL RECESSIVE. Identifiers: MedGen C5193025, MONDO:0032673, OMIM 618317.

Allele frequency attached by ClinVar (database versions not stated): TOPMed below 0.00001; ExAC 0.00001; gnomAD 0.00001; gnomAD exomes 0.00002.

Submission:

SIB Swiss Institute of Bioinformatics
Classification: Likely pathogenic for Basal ganglia calcification, idiopathic, 7, autosomal recessive. Last evaluated: 2019-06-13. Review status: criteria provided, single submitter. Criteria: ACMG Guidelines, 2015. Collection method: curation. Allele origin: unknown.
Comment: This variant is interpreted as a Likely pathogenic for Basal ganglia calcification, idiopathic, 7, autosomal recessive. The following ACMG Tag(s) were applied: PM2, PM3, PP1, PP3.

Literature cited by the submitters: PubMed 29910000.

NM_020702.5(MYORG):c.103A>G (p.Met35Val)

Gene: MYORG (myogenesis regulating glycosidase; minus strand). Cytogenetic location: 9p13.3.
Variant type: single nucleotide variant.
Coding change: c.103A>G on transcript NM_020702.5 (MANE Select); coding-DNA position 103, A replaced by G.
Protein change: p.Met35Val; replaces methionine 35 with valine.
Molecular consequence: missense variant.
Genome position (GRCh38, 1-based): chr9:34,372,841, T>C on the plus strand (A>G on the coding strand, the complement: MYORG is on the minus strand). VCF-style: chr9-34372841-T-C. GRCh37 (hg19) VCF-style: chr9-34372839-T-C.
Other names: short protein forms M35V.
Identifiers: ClinVar variation 692186 (VCV000692186.1), dbSNP rs765483979, ClinGen allele CA5033241.